The following is an entry in ClinVar:

NM_000069.3(CACNA1S):c.385A>G (p.Ile129Val)

Gene: CACNA1S (calcium voltage-gated channel subunit alpha1 S; minus strand). Cytogenetic location: 1q32.1.
Variant type: single nucleotide variant.
Coding change: c.385A>G on transcript NM_000069.3 (MANE Select); coding-DNA position 385, A replaced by G.
Protein change: p.Ile129Val; replaces isoleucine 129 with valine.
Molecular consequence: missense variant.
Genome position (GRCh38, 1-based): chr1:201,093,895, T>C on the plus strand (A>G on the coding strand, the complement: CACNA1S is on the minus strand). VCF-style: chr1-201093895-T-C. GRCh37 (hg19) VCF-style: chr1-201063023-T-C.
Other names: short protein forms I129V.
Identifiers: ClinVar variation 4217912 (VCV004217912.2).

ClinVar aggregate classification (germline): Uncertain significance. Review status: criteria provided, multiple submitters, no conflicts (2 of 4 stars). 2 submissions from 2 submitters: Uncertain significance (2). Last evaluated 2025-06-18.

Conditions:
Inborn genetic diseases. Identifiers: MedGen C0950123, MeSH D030342.
Malignant hyperthermia, susceptibility to, 5 (MHS5). Also called: CACNA1S-Related Malignant Hyperthermia Susceptibility. Identifiers: Orphanet 423, MedGen C1866077, MONDO:0011163, OMIM 601887.

gnomAD v4.1: 5 of 1,614,030 alleles (0.00031%); highest among the groups gnomAD compares: South Asian, 0.0011%; no homozygotes.

Submissions (2):

Ambry Genetics
Classification: Uncertain significance for Inborn genetic diseases. Last evaluated: 2025-06-18. Review status: criteria provided, single submitter. Criteria: Ambry Variant Classification Scheme 2023. Collection method: clinical testing. Allele origin: germline.

Color Diagnostics, LLC DBA Color Health
Classification: Uncertain significance for Malignant hyperthermia, susceptibility to, 5. Last evaluated: 2023-10-25. Review status: criteria provided, single submitter. Criteria: ACMG Guidelines, 2015. Collection method: clinical testing. Allele origin: germline.
Comment: This missense variant replaces isoleucine with valine at codon 129 of the CACNA1S protein. Computational prediction is inconclusive regarding the impact of this variant on protein structure and function. To our knowledge, functional studies have not been reported for this variant. This variant has not been reported in individuals affected with CACNA1S-related disorders in the literature. This variant has been identified in 3/251486 chromosomes in the general population by the Genome Aggregation Database (gnomAD). The available evidence is insufficient to determine the role of this variant in disease conclusively. Therefore, this variant is classified as a Variant of Uncertain Significance.